The following is an entry in ClinVar:

NM_004260.4(RECQL4):c.3154T>A (p.Cys1052Ser)

Gene: RECQL4 (RecQ like helicase 4; minus strand). Cytogenetic location: 8q24.3.
Variant type: single nucleotide variant.
Coding change: c.3154T>A on transcript NM_004260.4 (MANE Select); coding-DNA position 3154, T replaced by A.
Protein change: p.Cys1052Ser; replaces cysteine 1052 with serine.
Molecular consequence: missense variant.
Genome position (GRCh38, 1-based): chr8:144,512,226, A>T on the plus strand (T>A on the coding strand, the complement: RECQL4 is on the minus strand). VCF-style: chr8-144512226-A-T. GRCh37 (hg19) VCF-style: chr8-145737609-A-T.
Other names: short protein forms C1052S.
Identifiers: ClinVar variation 570988 (VCV000570988.8), dbSNP rs573929442, ClinGen allele CA4947908.

ClinVar aggregate classification (germline): Uncertain significance (1 of 4 stars; one submission).

Conditions:
Baller-Gerold syndrome (BGS). Also called: CRANIOSYNOSTOSIS WITH RADIAL DEFECTS. Identifiers: Orphanet 1225, MedGen C0265308, MONDO:0009039, OMIM 218600.

Allele frequency attached by ClinVar (database versions not stated): ExAC 0.00002; TOPMed 0.00003; gnomAD 0.00009 and 0.00010; 1000 Genomes Project 30x 0.00016; 1000 Genomes Project 0.00020.
gnomAD v4.1: 23 of 1,612,354 alleles (0.0014%); highest among the groups gnomAD compares: Admixed American, 0.03%; no homozygotes.

Submission:

Labcorp Genetics (formerly Invitae), Labcorp
Classification: Uncertain significance for Baller-Gerold syndrome. Last evaluated: 2025-11-17. Review status: criteria provided, single submitter. Criteria: Invitae Variant Classification Sherloc (09022015). Collection method: clinical testing. Allele origin: germline.
Comment: This sequence change replaces cysteine, which is neutral and slightly polar, with serine, which is neutral and polar, at codon 1052 of the RECQL4 protein (p.Cys1052Ser). This variant is present in population databases (rs573929442, gnomAD 0.004%). This variant has not been reported in the literature in individuals affected with RECQL4-related conditions. ClinVar contains an entry for this variant (Variation ID: 570988). Invitae Evidence Modeling of protein sequence and biophysical properties (such as structural, functional, and spatial information, amino acid conservation, physicochemical variation, residue mobility, and thermodynamic stability) indicates that this missense variant is expected to disrupt RECQL4 protein function with a positive predictive value of 80%. In summary, the available evidence is currently insufficient to determine the role of this variant in disease. Therefore, it has been classified as a Variant of Uncertain Significance.